The following is an entry in ClinVar:

GRCh37/hg19 12p12.1(chr12:23656814-23741624)x1

Gene: SOX5 (SRY-box transcription factor 5; minus strand). Cytogenetic location: 12p12.1.
Variant type: copy number loss.
Change: copy number 1 (one copy instead of two) of chr12:23,656,814-23,741,624 (84.8 kb, GRCh37 coordinates, 1-based), cytogenetic band 12p12.1.
Identifiers: ClinVar variation 1341190 (VCV001341190.1).

ClinVar aggregate classification (germline): Pathogenic (0 of 4 stars; one submission).

Submission:

Quest Diagnostics Nichols Institute San Juan Capistrano
Classification: Pathogenic. Last evaluated: 2021-02-01. Review status: no assertion criteria provided. Collection method: clinical testing. Allele origin: germline.
Comment: The copy number loss of 12p12.1 involves multiple exons of the 3-prime portion of SOX5 (exons 10-15 on NM_006940.6; OMIM 604975). Haploinsufficiency of SOX5 via loss-of-function variants and full/partial deletions has been associated with autosomal dominant Lamb-Shaffer syndrome (LAMSHF; OMIM 616803), which is a neurodevelopmental disorder characterized by global developmental delay, intellectual disability, poor expressive speech, and mild dysmorphic facial features. Additional variable skeletal abnormalities may also be present. The phenotype exhibits variable expressivity and reduced penetrance (Nesbitt et al., Am J Med Genet A. 2015 Nov;167A(11):2548-54. PMID: 26111154; Lamb, et al., Hum Mutat. 2012 Apr;33(4):728-40. PMID: 22290657). Multiple partial deletions of SOX5 have been reported in cases with LAMSHF. Particularly, Lamb et al reported a heterozygous 80 Kb deletion including exons 10-15 of SOX5 in a patient with phenotypes of developmental delay and intellectual disability (Lamb et al., Hum Mutat. 2012 Apr;33(4):728-40. PMID: 22290657). Recently, Zawerton et al reported a de novo deletion of partial SOX5 gene, similarly involving exons 10-15, in a patient with autism (Zawerton et al., Genet Med. 2020 Mar;22(3):524-537. PMID: 31578471). Also, there are no full copy number losses of this region in the general populations of the Database of Genomic Variants. Thus, based on literature review and gene content, this copy number loss is interpreted as pathogenic.